The following is an entry in ClinVar:

ClinVar aggregate classification (germline): Conflicting classifications of pathogenicity. Review status: criteria provided, conflicting classifications (1 of 4 stars). 5 submissions from 5 submitters: Uncertain significance (1); Likely benign (4). Last evaluated 2025-06-22.

Conditions:
Tuberous sclerosis syndrome (TSC). Also called: Tuberous sclerosis; Tuberous Sclerosis Complex. Identifiers: Orphanet 805, MedGen C0041341, MONDO:0001734.
Tuberous sclerosis 1 (TSC1). Identifiers: Orphanet 805, MedGen C1854465, MONDO:0008612, OMIM 191100.
Hereditary cancer-predisposing syndrome. Also called: Tumor predisposition; Hereditary neoplastic syndrome; Hereditary Cancer Syndrome; Neoplastic Syndromes, Hereditary. Identifiers: Orphanet 140162, MedGen C0027672, MeSH D009386, MONDO:0015356.

Allele frequency attached by ClinVar (database versions not stated): gnomAD exomes below 0.00001; ExAC 0.00001.

Submissions (5):

Labcorp Genetics (formerly Invitae), Labcorp
Classification: Likely benign for Tuberous sclerosis 1. Last evaluated: 2025-06-22. Review status: criteria provided, single submitter. Criteria: Invitae Variant Classification Sherloc (09022015). Collection method: clinical testing. Allele origin: germline.

Ambry Genetics
Classification: Likely benign for Hereditary cancer-predisposing syndrome. Last evaluated: 2024-08-24. Review status: criteria provided, single submitter. Criteria: Ambry Variant Classification Scheme 2023. Collection method: clinical testing. Allele origin: germline.

Quest Diagnostics Nichols Institute San Juan Capistrano
Classification: Uncertain significance. Last evaluated: 2024-05-07. Review status: criteria provided, single submitter. Criteria: Quest Diagnostics criteria. Collection method: clinical testing. Allele origin: unknown.

All of Us Research Program, National Institutes of Health
Classification: Likely benign for Tuberous sclerosis syndrome. Last evaluated: 2023-11-20. Review status: criteria provided, single submitter. Criteria: ACMG Guidelines, 2015. Collection method: clinical testing. Allele origin: germline. Inheritance: Autosomal dominant inheritance. Observed: 1 variant allele, 1 heterozygote.
Comment: This study involves interpretation of variants in research participants for the purpose of population health screening. Participant phenotype was not available at the time of variant classification. Additional details can be found in publication PMID: 35346344, PMCID: PMC8962531

CeGaT Center for Human Genetics Tuebingen
Classification: Likely benign. Last evaluated: 2022-07-01. Review status: criteria provided, single submitter. Criteria: CeGaT Center For Human Genetics Tuebingen Variant Classification Criteria Version 2. Collection method: clinical testing. Allele origin: germline. Affected: yes. Observed: 1 variant allele.
Comment: TSC1: BP4

NM_000368.5(TSC1):c.1350C>T (p.Ser450=)

Gene: TSC1 (TSC complex subunit 1; minus strand). Cytogenetic location: 9q34.13.
Variant type: single nucleotide variant.
Coding change: c.1350C>T on transcript NM_000368.5 (MANE Select); coding-DNA position 1350, C replaced by T.
Protein change: p.Ser450=; no amino-acid change (serine 450 retained).
Molecular consequence: synonymous variant.
Genome position (GRCh38, 1-based): chr9:132,906,819, G>A on the plus strand (C>T on the coding strand, the complement: TSC1 is on the minus strand). VCF-style: chr9-132906819-G-A. GRCh37 (hg19) VCF-style: chr9-135782206-G-A.
Other names: c.1347C>T, p.Ser449= (NM_001162426.2); c.1197C>T, p.Ser399= (NM_001162427.2); c.987C>T, p.Ser329= (NM_001362177.2); c.1350C>T (NM_000368.4).
Identifiers: ClinVar variation 1156401 (VCV001156401.42), dbSNP rs773780814, ClinGen allele CA028440.